The following is an entry in ClinVar:

ClinVar aggregate classification (germline): Pathogenic. Review status: criteria provided, multiple submitters, no conflicts (2 of 4 stars). 3 submissions from 3 submitters: Pathogenic (3). Last evaluated 2025-02-06.

Conditions:
Hereditary cancer-predisposing syndrome. Also called: Neoplastic Syndromes, Hereditary; Tumor predisposition; Hereditary neoplastic syndrome; Hereditary Cancer Syndrome. Identifiers: Orphanet 140162, MedGen C0027672, MeSH D009386, MONDO:0015356.
Pheochromocytoma/paraganglioma syndrome 5. Also called: Paragangliomas 5; SDHA-Related Hereditary Paraganglioma-Pheochromocytoma Syndrome. Identifiers: Orphanet 29072, MedGen C3279992, MONDO:0013602, OMIM 614165.
Mitochondrial complex II deficiency, nuclear type 1. Also called: SUCCINATE CoQ REDUCTASE DEFICIENCY. Identifiers: Orphanet 3208, MedGen C5700310, MONDO:0100294, OMIM 252011.

Submissions (3):

Labcorp Genetics (formerly Invitae), Labcorp
Classification: Pathogenic for Pheochromocytoma/paraganglioma syndrome 5; Mitochondrial complex II deficiency, nuclear type 1. Last evaluated: 2025-02-06. Review status: criteria provided, single submitter. Criteria: Invitae Variant Classification Sherloc (09022015). Collection method: clinical testing. Allele origin: germline.
Comment: This sequence change creates a premature translational stop signal (p.Gln294*) in the SDHA gene. It is expected to result in an absent or disrupted protein product. Loss-of-function variants in SDHA are known to be pathogenic (PMID: 22974104, 24781757). This variant is not present in population databases (gnomAD no frequency). This variant has not been reported in the literature in individuals affected with SDHA-related conditions. ClinVar contains an entry for this variant (Variation ID: 582775). Algorithms developed to predict the effect of sequence changes on RNA splicing suggest that this variant may disrupt the consensus splice site. For these reasons, this variant has been classified as Pathogenic.

Myriad Genetics, Inc.
Classification: Pathogenic for Pheochromocytoma/paraganglioma syndrome 5. Last evaluated: 2023-02-07. Review status: criteria provided, single submitter. Criteria: Myriad Autosomal Dominant, Autosomal Recessive and X-Linked Classification Criteria (2023). Collection method: clinical testing. Allele origin: unknown.
Comment: This variant is considered pathogenic. This variant creates a termination codon and is predicted to result in premature protein truncation.

Ambry Genetics
Classification: Pathogenic for Hereditary cancer-predisposing syndrome. Last evaluated: 2022-07-21. Review status: criteria provided, single submitter. Criteria: Ambry Variant Classification Scheme 2023. Collection method: clinical testing. Allele origin: germline.
Comment: The p.Q294* pathogenic mutation (also known as c.880C>T), located in coding exon 7 of the SDHA gene, results from a C to T substitution at nucleotide position 880. This changes the amino acid from a glutamine to a stop codon within coding exon 7. This variant is considered to be rare based on population cohorts in the Genome Aggregation Database (gnomAD). This alteration is expected to result in loss of function by premature protein truncation or nonsense-mediated mRNA decay. As such, this alteration is interpreted as a disease-causing mutation.

Literature cited by the submitters: PubMed 22974104 (cited by Labcorp Genetics (formerly Invitae), Labcorp); PubMed 24781757 (cited by Labcorp Genetics (formerly Invitae), Labcorp).

NM_004168.4(SDHA):c.880C>T (p.Gln294Ter)

Gene: SDHA (succinate dehydrogenase complex flavoprotein subunit A; plus strand). Cytogenetic location: 5p15.33.
Variant type: single nucleotide variant.
Coding change: c.880C>T on transcript NM_004168.4 (MANE Select); coding-DNA position 880, C replaced by T.
Protein change: p.Gln294Ter; replaces glutamine 294 with a stop codon.
Molecular consequence: nonsense.
Genome position (GRCh38, 1-based): chr5:230,985, C>T. VCF-style: chr5-230985-C-T. GRCh37 (hg19) VCF-style: chr5-231100-C-T.
Other names: c.736C>T, p.Gln246Ter (NM_001294332.2); c.880C>T, p.Gln294Ter (NM_001330758.2); short protein forms Q294*, Q246*.
Identifiers: ClinVar variation 582775 (VCV000582775.10), dbSNP rs1560992565, ClinGen allele CA359012023.
Genomic context (GRCh38, chr5:230,985, plus strand): 5'-GGCGACGGCACGGCCATGATCACCAGGGCAGGCCTTCCTTGCCAGGACCTAGAGTTTGTT[C>T]AGTTCCACCCTACAGGTAGGGCAGGACGCCTTGCCCGGCAGGTGTTTGGCTTGTGTGTGT-3'